The following is an entry in ClinVar:

NM_003060.4(SLC22A5):c.455del (p.Gly152fs)

Gene: SLC22A5 (solute carrier family 22 member 5; plus strand). Cytogenetic location: 5q31.1.
Variant type: Deletion.
Coding change: c.455del on transcript NM_003060.4 (MANE Select); coding-DNA position 455, one base deleted (G; older notation c.455delG).
Protein change: p.Gly152fs; shifts the reading frame from glycine 152.
Molecular consequence: frameshift variant.
Genome position (GRCh38, 1-based): chr5:132,378,439, G deleted; the last of 3 consecutive G bases (chr5:132,378,437-132,378,439); deleting any one gives the same sequence. VCF-style (leftmost placement, unchanged base first): chr5-132378436-TG-T. GRCh37 (hg19) VCF-style: chr5-131714128-TG-T.
Other names: c.527del, p.Gly176fs (NM_001308122.2); short protein forms G152fs, G176fs.
Identifiers: ClinVar variation 2701330 (VCV002701330.4), dbSNP rs2532106666, ClinGen allele CA2697546469.

ClinVar aggregate classification (germline): Pathogenic (1 of 4 stars; one submission).

Conditions:
Renal carnitine transport defect (CDSP). Also called: CARNITINE DEFICIENCY, SYSTEMIC, DUE TO DEFECT IN RENAL REABSORPTION OF CARNITINE; CARNITINE TRANSPORTER, PLASMA-MEMBRANE, DEFICIENCY OF; CARNITINE UPTAKE DEFECT; Primary carnitine deficiency; Systemic primary carnitine deficiency; Carnitine transporter deficiency. Identifiers: Orphanet 158, MedGen C0342788, MONDO:0008919, OMIM 212140.

Submission:

Labcorp Genetics (formerly Invitae), Labcorp
Classification: Pathogenic for Renal carnitine transport defect. Last evaluated: 2023-12-06. Review status: criteria provided, single submitter. Criteria: Invitae Variant Classification Sherloc (09022015). Collection method: clinical testing. Allele origin: germline.
Comment: This sequence change creates a premature translational stop signal (p.Gly152Valfs*24) in the SLC22A5 gene. It is expected to result in an absent or disrupted protein product. Loss-of-function variants in SLC22A5 are known to be pathogenic (PMID: 9916797). This variant is not present in population databases (gnomAD no frequency). This variant has not been reported in the literature in individuals affected with SLC22A5-related conditions. For these reasons, this variant has been classified as Pathogenic.

Literature cited by the submitters: PubMed 9916797.